The following is an entry in ClinVar:

NM_032043.3(BRIP1):c.1366C>A (p.Leu456Ile)

Gene: BRIP1 (BRCA1 interacting DNA helicase 1; minus strand). Cytogenetic location: 17q23.2.
Variant type: single nucleotide variant.
Coding change: c.1366C>A on transcript NM_032043.3 (MANE Select); coding-DNA position 1366, C replaced by A.
Protein change: p.Leu456Ile; replaces leucine 456 with isoleucine.
Molecular consequence: missense variant.
Genome position (GRCh38, 1-based): chr17:61,793,704, G>T on the plus strand (C>A on the coding strand, the complement: BRIP1 is on the minus strand). VCF-style: chr17-61793704-G-T. GRCh37 (hg19) VCF-style: chr17-59871065-G-T.
Other names: short protein forms L456I.
Identifiers: ClinVar variation 1425248 (VCV001425248.12), dbSNP rs1379791142, ClinGen allele CA400482271.

ClinVar aggregate classification (germline): Uncertain significance. Review status: criteria provided, multiple submitters, no conflicts (2 of 4 stars). 2 submissions from 2 submitters: Uncertain significance (2). Last evaluated 2025-10-22.

Conditions:
Hereditary cancer-predisposing syndrome. Also called: Hereditary neoplastic syndrome; Tumor predisposition; Hereditary Cancer Syndrome; Neoplastic Syndromes, Hereditary. Identifiers: Orphanet 140162, MedGen C0027672, MeSH D009386, MONDO:0015356.
Familial cancer of breast. Also called: BREAST CANCER, FAMILIAL; hereditary breast carcinoma; Hereditary breast cancer. Identifiers: Orphanet 227535, MedGen C0346153, MONDO:0016419, OMIM 114480. Disease mechanism: loss of function.
Fanconi anemia complementation group J. Also called: BRIP1-Related Fanconi Anemia. Identifiers: Orphanet 84, MedGen C1836860, MONDO:0012187, OMIM 609054.

Submissions (2):

Ambry Genetics
Classification: Uncertain significance for Hereditary cancer-predisposing syndrome. Last evaluated: 2025-10-22. Review status: criteria provided, single submitter. Criteria: Ambry Variant Classification Scheme 2023. Collection method: clinical testing. Allele origin: germline.
Comment: The p.L456I variant (also known as c.1366C>A), located in coding exon 9 of the BRIP1 gene, results from a C to A substitution at nucleotide position 1366. The leucine at codon 456 is replaced by isoleucine, an amino acid with highly similar properties. This amino acid position is highly conserved in available vertebrate species. In addition, this alteration is predicted to be tolerated by in silico analysis. Since supporting evidence is limited at this time, the clinical significance of this alteration remains unclear.

Labcorp Genetics (formerly Invitae), Labcorp
Classification: Uncertain significance for Familial cancer of breast; Fanconi anemia complementation group J. Last evaluated: 2023-12-24. Review status: criteria provided, single submitter. Criteria: Invitae Variant Classification Sherloc (09022015). Collection method: clinical testing. Allele origin: germline.
Comment: This sequence change replaces leucine, which is neutral and non-polar, with isoleucine, which is neutral and non-polar, at codon 456 of the BRIP1 protein (p.Leu456Ile). This variant is not present in population databases (gnomAD no frequency). This variant has not been reported in the literature in individuals affected with BRIP1-related conditions. ClinVar contains an entry for this variant (Variation ID: 1425248). Advanced modeling of protein sequence and biophysical properties (such as structural, functional, and spatial information, amino acid conservation, physicochemical variation, residue mobility, and thermodynamic stability) performed at Invitae indicates that this missense variant is expected to disrupt BRIP1 protein function with a positive predictive value of 80%. In summary, the available evidence is currently insufficient to determine the role of this variant in disease. Therefore, it has been classified as a Variant of Uncertain Significance.